The following is an entry in ClinVar:

ClinVar aggregate classification (germline): Uncertain significance. Review status: criteria provided, multiple submitters, no conflicts (2 of 4 stars). 2 submissions from 2 submitters: Uncertain significance (2). Last evaluated 2025-07-31.

Allele frequency attached by ClinVar (database versions not stated): gnomAD 0.00001; TOPMed 0.00001; gnomAD exomes 0.00002; ExAC 0.00003.

Submissions (2):

Ambry Genetics
Classification: Uncertain significance. Last evaluated: 2025-07-31. Review status: criteria provided, single submitter. Criteria: Ambry Variant Classification Scheme 2023. Collection method: clinical testing. Allele origin: germline.
Comment: The p.A606V variant (also known as c.1817C>T), located in coding exon 9 of the ATRIP gene, results from a C to T substitution at nucleotide position 1817. The alanine at codon 606 is replaced by valine, an amino acid with similar properties. This amino acid position is conserved. In addition, this alteration is predicted to be tolerated by in silico analysis. Based on the available evidence, the clinical significance of this variant remains unclear.

Labcorp Genetics (formerly Invitae), Labcorp
Classification: Uncertain significance. Last evaluated: 2023-06-09. Review status: criteria provided, single submitter. Criteria: Invitae Variant Classification Sherloc (09022015). Collection method: clinical testing. Allele origin: germline.
Comment: In summary, the available evidence is currently insufficient to determine the role of this variant in disease. Therefore, it has been classified as a Variant of Uncertain Significance. An algorithm developed to predict the effect of missense changes on protein structure and function (PolyPhen-2) suggests that this variant is likely to be tolerated. This variant has not been reported in the literature in individuals affected with ATRIP-related conditions. This variant is present in population databases (rs774621062, gnomAD 0.03%). This sequence change replaces alanine, which is neutral and non-polar, with valine, which is neutral and non-polar, at codon 606 of the ATRIP protein (p.Ala606Val).

NM_130384.3(ATRIP):c.1817C>T (p.Ala606Val)

Genes: ATRIP (ATR interacting protein; plus strand), ATRIP-TREX1 (ATRIP-TREX1 readthrough; plus strand). Cytogenetic location: 3p21.31.
Variant type: single nucleotide variant.
Coding change: c.1817C>T on transcript NM_130384.3 (MANE Select); coding-DNA position 1817, C replaced by T.
Protein change: p.Ala606Val; replaces alanine 606 with valine.
Molecular consequence: missense variant. On other transcripts: non-coding transcript variant (1).
Genome position (GRCh38, 1-based): chr3:48,463,816, C>T. VCF-style: chr3-48463816-C-T. GRCh37 (hg19) VCF-style: chr3-48505215-C-T.
Other names: c.1436C>T, p.Ala479Val (NM_001271022.2); c.1538C>T, p.Ala513Val (NM_001271023.2); c.1817C>T, p.Ala606Val (NM_032166.4); c.1817C>T (NM_130384.1); short protein forms A513V, A606V, A479V.
Identifiers: ClinVar variation 2721785 (VCV002721785.5), dbSNP rs774621062, ClinGen allele CA2376286.